The following is an entry in ClinVar:

NM_006005.3(WFS1):c.1132A>T (p.Thr378Ser)

Gene: WFS1 (wolframin ER transmembrane glycoprotein; plus strand). Cytogenetic location: 4p16.1.
Variant type: single nucleotide variant.
Coding change: c.1132A>T on transcript NM_006005.3 (MANE Select); coding-DNA position 1132, A replaced by T.
Protein change: p.Thr378Ser; replaces threonine 378 with serine.
Molecular consequence: missense variant.
Genome position (GRCh38, 1-based): chr4:6,300,927, A>T. VCF-style: chr4-6300927-A-T. GRCh37 (hg19) VCF-style: chr4-6302654-A-T.
Other names: c.1132A>T, p.Thr378Ser (NM_001145853.1); short protein forms T378S.
Identifiers: ClinVar variation 2963127 (VCV002963127.3), dbSNP rs770138866, ClinGen allele CA2839229.

ClinVar aggregate classification (germline): Uncertain significance (1 of 4 stars; one submission).

Allele frequency attached by ClinVar (database versions not stated): TOPMed below 0.00001; ExAC 0.00001.
gnomAD v4.1: 1 of 1,613,932 alleles (0.000062%); no homozygotes.

Submission:

Labcorp Genetics (formerly Invitae), Labcorp
Classification: Uncertain significance. Last evaluated: 2023-11-27. Review status: criteria provided, single submitter. Criteria: Invitae Variant Classification Sherloc (09022015). Collection method: clinical testing. Allele origin: germline.
Comment: This sequence change replaces threonine, which is neutral and polar, with serine, which is neutral and polar, at codon 378 of the WFS1 protein (p.Thr378Ser). This variant is present in population databases (rs770138866, gnomAD 0.0009%). This variant has not been reported in the literature in individuals affected with WFS1-related conditions. Advanced modeling of protein sequence and biophysical properties (such as structural, functional, and spatial information, amino acid conservation, physicochemical variation, residue mobility, and thermodynamic stability) performed at Invitae indicates that this missense variant is not expected to disrupt WFS1 protein function with a negative predictive value of 95%. In summary, the available evidence is currently insufficient to determine the role of this variant in disease. Therefore, it has been classified as a Variant of Uncertain Significance.